The following is an entry in ClinVar:

ClinVar aggregate classification (germline): Conflicting classifications of pathogenicity. Review status: criteria provided, conflicting classifications (1 of 4 stars). 7 submissions from 7 submitters: Uncertain significance (2); Benign (2); Likely benign (1). 2 of the submissions do not count toward it. Last evaluated 2025-08-06.

Conditions:
Cardiomyopathy (CMYO). Also called: Cardiomyopathies. Identifiers: Orphanet 167848, MedGen C0878544, MONDO:0004994, HP:0001638. Inheritance: Various modes of inheritance.
Hypertrophic cardiomyopathy 14. Identifiers: MedGen C2750467, MONDO:0013197, OMIM 613251.

Submissions (7):

Labcorp Genetics (formerly Invitae), Labcorp
Classification: Likely benign for Hypertrophic cardiomyopathy 14. Last evaluated: 2025-08-06. Review status: criteria provided, single submitter. Criteria: Invitae Variant Classification Sherloc (09022015). Collection method: clinical testing. Allele origin: germline.

Women's Health and Genetics/Laboratory Corporation of America, LabCorp
Classification: Benign. Last evaluated: 2021-03-15. Review status: criteria provided, single submitter. Criteria: LabCorp Variant Classification Summary - May 2015. Collection method: clinical testing. Allele origin: germline.
Comment: Variant summary: MYH6 c.3979-8_3979-7delinsGC alters a nucleotide located close to a canonical splice site and therefore could affect mRNA splicing, leading to a significantly altered protein sequence. 4/4 computational tools predict no significant impact on normal splicing. However, these predictions have yet to be confirmed by functional studies. This variant is reported as two separate variants in gnomAD, specifically c.3979-8C>G with an allele frequency of 0.001990 in 181896 control chromosomes (including 3 homozygotes) and c.3979-7T>C with an allele frequency of 0.05366 in 162742 control chromosomes (also including 3 homozygotes). Read data in gnomAD show the two variants in cis in multiple individuals (heterozygous and homozygous). Both frequencies significantly exceed the estimated maximal expected allele frequency for a pathogenic variant in MYH6 causing Cardiomyopathy phenotype (2.5e-05), strongly suggesting that the variant is a benign polymorphism. To our knowledge, no occurrence of c.3979-8_3979-7delinsGC in individuals affected with Cardiomyopathy and no experimental evidence demonstrating its impact on protein function have been reported. A co-occurrence with a pathogenic variant has been reported (MYBPC3 c.2827C>T, p.Arg943X; Internal testing), providing further supporting evidence for a benign role. One ClinVar submitter (evaluation after 2014) cites the variant as uncertain significance while another ClinVar submitter (evaluation after 2014) cites it as likely benign. Based on the evidence outlined above, the variant was classified as benign.

GeneDx
Classification: Benign. Last evaluated: 2016-11-17. Review status: criteria provided, single submitter. Criteria: GeneDx Variant Classification Process June 2021. Collection method: clinical testing. Allele origin: germline. Affected: yes.

CHEO Genetics Diagnostic Laboratory, Children's Hospital of Eastern Ontario
Classification: Uncertain significance for Cardiomyopathy. Last evaluated: 2015-11-26. Review status: criteria provided, single submitter. Criteria: ACMG Guidelines, 2015. Collection method: clinical testing. Allele origin: germline. Study: Canadian Open Genetics Repository.

Laboratory for Molecular Medicine, Mass General Brigham Personalized Medicine
Classification: Uncertain significance. Last evaluated: 2014-06-19. Review status: criteria provided, single submitter. Criteria: LMM Criteria. Collection method: clinical testing. Allele origin: germline. Observed: 3 variant alleles.
Comment: Variant classified as Uncertain Significance - Favor Benign. The 3979-8_3979-7de linsGC in MYH6 has been identified by our laboratory in 2 adults with DCM +/- co nduction system disease. Data from large populations studies is insufficient to assess the frequency of this variant. This region of intron 28 includes a homopo lymer region with a string of C divided by a single T and is highly variable wit h multiple variations on this sequence having been identified. Due the variabili ty that has been seen in this region and because the MYH6 gene has not yet been strongly associated with cardiomyopathy, this variant is less likely to contribu te to disease. In summary, though its clinical significance is uncertain, the va riation in this region suggests that it is more likely to be benign.

Clinical Genetics DNA and cytogenetics Diagnostics Lab, Erasmus MC, Erasmus Medical Center
Classification: Benign. Review status: no assertion criteria provided. Collection method: clinical testing. Allele origin: germline. Affected: yes. Study: VKGL Data-share Consensus. Not counted in ClinVar's aggregate classification.

Joint Genome Diagnostic Labs from Nijmegen and Maastricht, Radboudumc and MUMC+
Classification: Benign. Review status: no assertion criteria provided. Collection method: clinical testing. Allele origin: germline. Affected: yes. Study: VKGL Data-share Consensus. Not counted in ClinVar's aggregate classification.

NM_002471.4(MYH6):c.3979-8_3979-7delinsGC

Gene: MYH6 (myosin heavy chain 6; minus strand). Cytogenetic location: 14q11.2.
Variant type: Indel.
Coding change: c.3979-8_3979-7delinsGC on transcript NM_002471.4 (MANE Select); 8 bases into the intron before coding-DNA position 3979 through 7 bases into the intron before coding-DNA position 3979, CT replaced by GC.
Molecular consequence: intron variant.
Genome position (GRCh38, 1-based): chr14:23,389,062-23,389,063, AG replaced by GC on the plus strand (CT replaced by GC on the coding strand, the reverse complement: MYH6 is on the minus strand). VCF-style: chr14-23389062-AG-GC. GRCh37 (hg19) VCF-style: chr14-23858271-AG-GC.
Identifiers: ClinVar variation 164227 (VCV000164227.26), dbSNP rs727503235, ClinGen allele CA176944.